The following is an entry in ClinVar:

ClinVar aggregate classification (germline): Uncertain significance (1 of 4 stars; one submission).

Conditions:
Mitochondrial complex II deficiency, nuclear type 1. Also called: SUCCINATE CoQ REDUCTASE DEFICIENCY. Identifiers: Orphanet 3208, MedGen C5700310, MONDO:0100294, OMIM 252011.
Pheochromocytoma/paraganglioma syndrome 5. Also called: Paragangliomas 5; SDHA-Related Hereditary Paraganglioma-Pheochromocytoma Syndrome. Identifiers: Orphanet 29072, MedGen C3279992, MONDO:0013602, OMIM 614165.

Submission:

Labcorp Genetics (formerly Invitae), Labcorp
Classification: Uncertain significance for Pheochromocytoma/paraganglioma syndrome 5; Mitochondrial complex II deficiency, nuclear type 1. Last evaluated: 2022-09-16. Review status: criteria provided, single submitter. Criteria: Invitae Variant Classification Sherloc (09022015). Collection method: clinical testing. Allele origin: germline.
Comment: This sequence change replaces threonine, which is neutral and polar, with alanine, which is neutral and non-polar, at codon 196 of the SDHA protein (p.Thr196Ala). In summary, the available evidence is currently insufficient to determine the role of this variant in disease. Therefore, it has been classified as a Variant of Uncertain Significance. Algorithms developed to predict the effect of missense changes on protein structure and function (SIFT, PolyPhen-2, Align-GVGD) all suggest that this variant is likely to be disruptive. This variant has not been reported in the literature in individuals affected with SDHA-related conditions. This variant is not present in population databases (gnomAD no frequency).

NM_004168.4(SDHA):c.586A>G (p.Thr196Ala)

Gene: SDHA (succinate dehydrogenase complex flavoprotein subunit A; plus strand). Cytogenetic location: 5p15.33.
Variant type: single nucleotide variant.
Coding change: c.586A>G on transcript NM_004168.4 (MANE Select); coding-DNA position 586, A replaced by G.
Protein change: p.Thr196Ala; replaces threonine 196 with alanine.
Molecular consequence: missense variant.
Genome position (GRCh38, 1-based): chr5:226,012, A>G. VCF-style: chr5-226012-A-G. GRCh37 (hg19) VCF-style: chr5-226127-A-G.
Other names: c.442A>G, p.Thr148Ala (NM_001294332.2); c.586A>G, p.Thr196Ala (NM_001330758.2); short protein forms T148A, T196A.
Identifiers: ClinVar variation 1969938 (VCV001969938.5), dbSNP rs2477300727, ClinGen allele CA359010548.